The following is an entry in ClinVar:

NM_003673.4(TCAP):c.110+4A>G

Gene: TCAP (titin-cap; plus strand). Cytogenetic location: 17q12.
Variant type: single nucleotide variant.
Coding change: c.110+4A>G on transcript NM_003673.4 (MANE Select); 4 bases into the intron after coding-DNA position 110, A replaced by G.
Molecular consequence: intron variant.
Genome position (GRCh38, 1-based): chr17:39,665,473, A>G. VCF-style: chr17-39665473-A-G. GRCh37 (hg19) VCF-style: chr17-37821726-A-G.
Identifiers: ClinVar variation 3453994 (VCV003453994.3).

ClinVar aggregate classification (germline): Uncertain significance. Review status: criteria provided, multiple submitters, no conflicts (2 of 4 stars). 2 submissions from 2 submitters: Uncertain significance (2). Last evaluated 2024-11-24.

Conditions:
Cardiovascular phenotype. Identifiers: MedGen CN230736.
Hypertrophic cardiomyopathy 25 (CMH25). Also called: CARDIOMYOPATHY, FAMILIAL HYPERTROPHIC, 25. Identifiers: MedGen C4225408, MONDO:0011843, OMIM 607487.
Primary familial hypertrophic cardiomyopathy (HCM). Identifiers: Orphanet 99739, MedGen C0949658, MeSH D024741, MONDO:0024573. Inheritance: Various modes of inheritance.

gnomAD v4.1: 1 of 1,611,732 alleles (0.000062%); highest among the groups gnomAD compares: African/African-American, 0.0013%; no homozygotes.

Submissions (2):

Labcorp Genetics (formerly Invitae), Labcorp
Classification: Uncertain significance for Hypertrophic cardiomyopathy 25; Primary familial hypertrophic cardiomyopathy. Last evaluated: 2024-11-24. Review status: criteria provided, single submitter. Criteria: Invitae Variant Classification Sherloc (09022015). Collection method: clinical testing. Allele origin: germline.
Comment: This sequence change falls in intron 1 of the TCAP gene. It does not directly change the encoded amino acid sequence of the TCAP protein. It affects a nucleotide within the consensus splice site. This variant is not present in population databases (gnomAD no frequency). This variant has not been reported in the literature in individuals affected with TCAP-related conditions. Variants that disrupt the consensus splice site are a relatively common cause of aberrant splicing (PMID: 17576681, 9536098). Algorithms developed to predict the effect of sequence changes on RNA splicing suggest that this variant may disrupt the consensus splice site. In summary, the available evidence is currently insufficient to determine the role of this variant in disease. Therefore, it has been classified as a Variant of Uncertain Significance.

Ambry Genetics
Classification: Uncertain significance for Cardiovascular phenotype. Last evaluated: 2024-10-16. Review status: criteria provided, single submitter. Criteria: Ambry Variant Classification Scheme 2023. Collection method: clinical testing. Allele origin: germline.
Comment: The c.110+4A>G intronic variant results from an A to G substitution 4 nucleotides after coding exon 1 in the TCAP gene. This nucleotide position is well conserved in available vertebrate species. In silico splice site analysis predicts that this alteration will weaken the native splice donor site. Based on the available evidence, the clinical significance of this variant remains unclear.

Literature cited by the submitters: PubMed 17576681 (cited by Labcorp Genetics (formerly Invitae), Labcorp); PubMed 9536098 (cited by Labcorp Genetics (formerly Invitae), Labcorp).